The following is an entry in ClinVar:

ClinVar aggregate classification (germline): Uncertain significance. Review status: criteria provided, multiple submitters, no conflicts (2 of 4 stars). 3 submissions from 3 submitters: Uncertain significance (3). Last evaluated 2025-06-10.

Conditions:
Cardiovascular phenotype. Identifiers: MedGen CN230736.
Myofibrillar myopathy 4. Also called: Zaspopathy (type). Identifiers: Orphanet 98912, MedGen C4721886, MONDO:0012277, OMIM 609452.

Allele frequency attached by ClinVar (database versions not stated): TOPMed below 0.00001; gnomAD 0.00001; gnomAD exomes 0.00001 and 0.00002; ExAC 0.00002.

Submissions (3):

Ambry Genetics
Classification: Uncertain significance for Cardiovascular phenotype. Last evaluated: 2025-06-10. Review status: criteria provided, single submitter. Criteria: Ambry Variant Classification Scheme 2023. Collection method: clinical testing. Allele origin: germline.

Labcorp Genetics (formerly Invitae), Labcorp
Classification: Uncertain significance for Myofibrillar myopathy 4. Last evaluated: 2025-01-12. Review status: criteria provided, single submitter. Criteria: Invitae Variant Classification Sherloc (09022015). Collection method: clinical testing. Allele origin: germline.
Comment: The LDB3 gene has multiple clinically relevant transcripts. This variant occurs in alternate transcript NM_007078.2, and corresponds to NM_001080116.1:c.*19380T>C in the primary transcript. This sequence change replaces tryptophan, which is neutral and slightly polar, with arginine, which is basic and polar, at codon 629 of the LDB3 protein (p.Trp629Arg). This variant is present in population databases (rs773554501, gnomAD 0.01%). This variant has not been reported in the literature in individuals affected with LDB3-related conditions. Experimental studies and prediction algorithms are not available or were not evaluated, and the functional significance of this variant is currently unknown. In summary, the available evidence is currently insufficient to determine the role of this variant in disease. Therefore, it has been classified as a Variant of Uncertain Significance.

Women's Health and Genetics/Laboratory Corporation of America, LabCorp
Classification: Uncertain significance. Last evaluated: 2024-11-11. Review status: criteria provided, single submitter. Criteria: LabCorp Variant Classification Summary - May 2015. Collection method: clinical testing. Allele origin: germline.

NM_007078.3(LDB3):c.1885T>C (p.Trp629Arg)

Gene: LDB3 (LIM domain binding 3; plus strand). Cytogenetic location: 10q23.2.
Variant type: single nucleotide variant.
Coding change: c.1885T>C on transcript NM_007078.3 (MANE Select); coding-DNA position 1885, T replaced by C.
Protein change: p.Trp629Arg; replaces tryptophan 629 with arginine.
Molecular consequence: missense variant.
Genome position (GRCh38, 1-based): chr10:86,718,754, T>C. VCF-style: chr10-86718754-T-C. GRCh37 (hg19) VCF-style: chr10-88478511-T-C.
Other names: c.1885T>C (LRG_385t1); c.1555T>C, p.Trp519Arg (NM_001080114.2); c.1900T>C, p.Trp634Arg (NM_001171610.2); c.1696T>C, p.Trp566Arg (NM_001368064.1, NM_001368065.1); c.1744T>C, p.Trp582Arg (NM_001368066.1); short protein forms W566R, W634R, W519R, W582R, W629R.
Identifiers: ClinVar variation 651386 (VCV000651386.13), dbSNP rs773554501, ClinGen allele CA5585255.